The following is an entry in ClinVar:

NM_001130082.3(PLXNB1):c.1053C>T (p.Thr351=)

Gene: PLXNB1 (plexin B1; minus strand). Cytogenetic location: 3p21.31.
Variant type: single nucleotide variant.
Coding change: c.1053C>T on transcript NM_001130082.3 (MANE Select); coding-DNA position 1053, C replaced by T.
Protein change: p.Thr351=; no amino-acid change (threonine 351 retained).
Molecular consequence: synonymous variant.
Genome position (GRCh38, 1-based): chr3:48,423,559, G>A on the plus strand (C>T on the coding strand, the complement: PLXNB1 is on the minus strand). VCF-style: chr3-48423559-G-A. GRCh37 (hg19) VCF-style: chr3-48464968-G-A.
Other names: c.1053C>T, p.Thr351= (NM_002673.6).
Identifiers: ClinVar variation 767907 (VCV000767907.6), dbSNP rs9841713, ClinGen allele CA2375225.

ClinVar aggregate classification (germline): Benign. Review status: criteria provided, multiple submitters, no conflicts (2 of 4 stars). 3 submissions from 3 submitters: Benign (2). 1 of the submissions does not count toward it. Last evaluated 2018-05-21.

Conditions:
PLXNB1-related disorder. Also called: PLXNB1-related condition.

Allele frequency attached by ClinVar (database versions not stated): gnomAD exomes 0.00527; ExAC 0.00615; 1000 Genomes Project 0.01558; 1000 Genomes Project 30x 0.01671; gnomAD 0.01928 and 0.02095; TOPMed 0.02198; ESP Exome Variant Server 0.02299.
gnomAD v4.1: 6,387 of 1,614,112 alleles (0.4%); highest among the groups gnomAD compares: African/African-American, 6.6%; 187 homozygotes.

Submissions (3):

Labcorp Genetics (formerly Invitae), Labcorp
Classification: Benign. Last evaluated: 2018-05-21. Review status: criteria provided, single submitter. Criteria: Invitae Variant Classification Sherloc (09022015). Collection method: clinical testing. Allele origin: germline.

Breakthrough Genomics
Classification: Benign. Review status: criteria provided, single submitter. Criteria: ACMG Guidelines, 2015. Collection method: not provided. Allele origin: germline. Inheritance: Unknown mechanism. Affected: yes.

PreventionGenetics, part of Exact Sciences
Classification: Benign for PLXNB1-related condition. Last evaluated: 2019-02-21. Review status: no assertion criteria provided. Collection method: clinical testing. Allele origin: germline. Not counted in ClinVar's aggregate classification.
Comment: This variant is classified as benign based on ACMG/AMP sequence variant interpretation guidelines (Richards et al. 2015 PMID: 25741868, with internal and published modifications).